The following is an entry in ClinVar:

ClinVar aggregate classification (germline): Pathogenic (1 of 4 stars; one submission).

Allele frequency attached by ClinVar (database versions not stated): gnomAD 0.00001; TOPMed 0.00003.

Submission:

Labcorp Genetics (formerly Invitae), Labcorp
Classification: Pathogenic. Last evaluated: 2022-08-04. Review status: criteria provided, single submitter. Criteria: Invitae Variant Classification Sherloc (09022015). Collection method: clinical testing. Allele origin: germline.
Comment: This variant has not been reported in the literature in individuals affected with TULP1-related conditions. This variant is not present in population databases (gnomAD no frequency). This sequence change creates a premature translational stop signal (p.Glu123Glyfs*25) in the TULP1 gene. It is expected to result in an absent or disrupted protein product. Loss-of-function variants in TULP1 are known to be pathogenic (PMID: 8606774, 10549638, 15024725, 18055821). Algorithms developed to predict the effect of sequence changes on RNA splicing suggest that this variant may disrupt the consensus splice site. For these reasons, this variant has been classified as Pathogenic.

Literature cited by the submitters: PubMed 8606774; PubMed 10549638; PubMed 15024725; PubMed 18055821.

NM_003322.6(TULP1):c.368del (p.Glu123fs)

Gene: TULP1 (TUB like protein 1; minus strand). Cytogenetic location: 6p21.31.
Variant type: Deletion.
Coding change: c.368del on transcript NM_003322.6 (MANE Select); coding-DNA position 368, one base deleted (A; older notation c.368delA).
Protein change: p.Glu123fs; shifts the reading frame from glutamic acid 123.
Molecular consequence: frameshift variant.
Genome position (GRCh38, 1-based): chr6:35,510,992, T deleted on the plus strand (A on the coding strand, the reverse complement: TULP1 is on the minus strand). VCF-style (leftmost placement, unchanged base first): chr6-35510991-CT-C. GRCh37 (hg19) VCF-style: chr6-35478768-CT-C.
Other names: c.209del, p.Glu70fs (NM_001289395.2); short protein forms E70fs, E123fs.
Identifiers: ClinVar variation 1975106 (VCV001975106.5), dbSNP rs1039652182, ClinGen allele CA137292177.
Genomic context (GRCh38, chr6:35,510,991, plus strand): 5'-GGGAGGCAGAAGGATTTTCTCTTTCTTTTCCTCTGCCTCCTCTTCCTCGTCCTCCTCGTC[CT>C]CCTCTTCCTCCTCCTCCTCTGCAGGTAGAAACTCTTCATAATGGGGGTTTGAGCCGGGCC-3'